The following is an entry in ClinVar:

NM_198282.4(STING1):c.950C>T (p.Pro317Leu)

Gene: STING1 (stimulator of interferon response cGAMP interactor 1; minus strand). Cytogenetic location: 5q31.2.
Variant type: single nucleotide variant.
Coding change: c.950C>T on transcript NM_198282.4 (MANE Select); coding-DNA position 950, C replaced by T.
Protein change: p.Pro317Leu; replaces proline 317 with leucine.
Molecular consequence: missense variant. On other transcripts: synonymous variant (1).
Genome position (GRCh38, 1-based): chr5:139,476,451, G>A on the plus strand (C>T on the coding strand, the complement: STING1 is on the minus strand). VCF-style: chr5-139476451-G-A. GRCh37 (hg19) VCF-style: chr5-138856036-G-A.
Other names: c.763C>T, p.Leu255= (NM_001301738.2); c.593C>T, p.Pro198Leu (NM_001367258.1); short protein forms P198L, P317L.
Identifiers: ClinVar variation 3653805 (VCV003653805.2).
Genomic context (GRCh38, chr5:139,476,451, plus strand): 5'-TCCTCCTGCCGCAGGTGCCGGAGAACCTCCTGGGACAGCGAGAAGCTGCTGTCATCTGCA[G>A]GTTCTGGAACAGGGAGATAGGGGAGAGAGTAATGAGGATCTTACCCATTCCCACTCAAAC-3'
Protein context (NP_938023.1, residues 307-327): NNCRLIAYQE[Pro317Leu]ADDSSFSLSQ

ClinVar aggregate classification (germline): Uncertain significance (1 of 4 stars; one submission).

Conditions:
STING-associated vasculopathy with onset in infancy. Also called: Sting-associated vasculopathy, infantile-onset. Identifiers: Orphanet 425120, MedGen C4014722, MONDO:0014405, OMIM 615934.

Submission:

Labcorp Genetics (formerly Invitae), Labcorp
Classification: Uncertain significance for STING-associated vasculopathy with onset in infancy. Last evaluated: 2025-04-23. Review status: criteria provided, single submitter. Criteria: Invitae Variant Classification Sherloc (09022015). Collection method: clinical testing. Allele origin: germline.
Comment: This sequence change replaces proline, which is neutral and non-polar, with leucine, which is neutral and non-polar, at codon 317 of the TMEM173 protein (p.Pro317Leu). This variant is present in population databases (no rsID available, gnomAD 0.0009%). This variant has not been reported in the literature in individuals affected with TMEM173-related conditions. ClinVar contains an entry for this variant (Variation ID: 3653805). Invitae Evidence Modeling of protein sequence and biophysical properties (such as structural, functional, and spatial information, amino acid conservation, physicochemical variation, residue mobility, and thermodynamic stability) indicates that this missense variant is not expected to disrupt TMEM173 protein function with a negative predictive value of 80%. In summary, the available evidence is currently insufficient to determine the role of this variant in disease. Therefore, it has been classified as a Variant of Uncertain Significance.